The following is an entry in ClinVar:

ClinVar aggregate classification (germline): Pathogenic (1 of 4 stars; one submission).

Conditions:
Charcot-Marie-Tooth disease, type I (CMT1). Also called: Charcot-Marie-Tooth, Type 1; Charcot-Marie-Tooth disease type 1. Identifiers: Orphanet 65753, MedGen C0751036, MONDO:0019011.

Submission:

Labcorp Genetics (formerly Invitae), Labcorp
Classification: Pathogenic for Charcot-Marie-Tooth disease, type I. Last evaluated: 2021-03-22. Review status: criteria provided, single submitter. Criteria: Invitae Variant Classification Sherloc (09022015). Collection method: clinical testing. Allele origin: germline.
Comment: This sequence change creates a premature translational stop signal (p.Val142Serfs*20) in the MPZ gene. It is expected to result in an absent or disrupted protein product. Loss-of-function variants in MPZ are known to be pathogenic (PMID: 14711881). This variant is not present in population databases (ExAC no frequency). This variant has not been reported in the literature in individuals with MPZ-related conditions. For these reasons, this variant has been classified as Pathogenic.

Literature cited by the submitters: PubMed 14711881.

NM_000530.8(MPZ):c.424del (p.Val142fs)

Gene: MPZ (myelin protein zero; minus strand). Cytogenetic location: 1q23.3.
Variant type: Deletion.
Coding change: c.424del on transcript NM_000530.8 (MANE Select); coding-DNA position 424, one base deleted (G; older notation c.424delG).
Protein change: p.Val142fs; shifts the reading frame from valine 142.
Molecular consequence: frameshift variant.
Genome position (GRCh38, 1-based): chr1:161,306,732, C deleted on the plus strand (G on the coding strand, the reverse complement: MPZ is on the minus strand); the first of 2 consecutive C bases (chr1:161,306,732-161,306,733); deleting either gives the same sequence. VCF-style (leftmost placement, unchanged base first): chr1-161306731-AC-A. GRCh37 (hg19) VCF-style: chr1-161276521-AC-A.
Other names: c.424del, p.Val142fs (NM_001315491.2); short protein forms V142fs.
Identifiers: ClinVar variation 1423751 (VCV001423751.6), dbSNP rs2102258700, ClinGen allele CA2573130602.